The following is an entry in ClinVar:

ClinVar aggregate classification (germline): Conflicting classifications of pathogenicity. Review status: criteria provided, conflicting classifications (1 of 4 stars). 4 submissions from 4 submitters: Uncertain significance (2); Benign (1); Likely benign (1). Last evaluated 2025-01-16.

Conditions:
Inborn genetic diseases. Identifiers: MedGen C0950123, MeSH D030342.
Androgen resistance syndrome (AIS). Also called: Androgen insensitivity syndrome; TESTICULAR FEMINIZATION SYNDROME; Androgen insensitivity syndrome due to coactivator deficiency; Androgen insensitivity; ANDROGEN RECEPTOR DEFICIENCY; DIHYDROTESTOSTERONE RECEPTOR DEFICIENCY. Identifiers: Orphanet 754, Orphanet 99429, MedGen C0039585, MONDO:0019154, OMIM 300068. Disease mechanism: loss of function.
Kennedy disease (SMAX1). Also called: KENNEDY SPINAL AND BULBAR MUSCULAR ATROPHY; Spinal and Bulbar Muscular Atrophy; SPINAL AND BULBAR MUSCULAR ATROPHY, X-LINKED 1. Identifiers: Orphanet 481, MedGen C1839259, MONDO:0010735, OMIM 313200.

Allele frequency attached by ClinVar (database versions not stated): TOPMed 0.00002; gnomAD 0.00003 and 0.00005; gnomAD exomes 0.00003; ExAC 0.00006; 1000 Genomes Project 30x 0.00021; 1000 Genomes Project 0.00026.
gnomAD v4.1: 42 of 1,208,387 alleles (0.0035%); highest among the groups gnomAD compares: East Asian, 0.074%; no homozygotes.

Submissions (4):

Labcorp Genetics (formerly Invitae), Labcorp
Classification: Benign for Kennedy disease; Androgen resistance syndrome. Last evaluated: 2025-01-16. Review status: criteria provided, single submitter. Criteria: Invitae Variant Classification Sherloc (09022015). Collection method: clinical testing. Allele origin: germline.

GeneDx
Classification: Likely benign. Last evaluated: 2024-11-13. Review status: criteria provided, single submitter. Criteria: GeneDx Variant Classification Process June 2021. Collection method: clinical testing. Allele origin: germline. Affected: yes.
Comment: See Variant Classification Assertion Criteria.

Women's Health and Genetics/Laboratory Corporation of America, LabCorp
Classification: Uncertain significance. Last evaluated: 2023-08-04. Review status: criteria provided, single submitter. Criteria: LabCorp Variant Classification Summary - May 2015. Collection method: clinical testing. Allele origin: germline.
Comment: Variant summary: AR c.2659A>G (p.Met887Val) results in a conservative amino acid change located in the Nuclear hormone receptor, ligand-binding domain (IPR000536) of the encoded protein sequence. Three of five in-silico tools predict a benign effect of the variant on protein function. The variant allele was found at a frequency of 0.00018 in 204880 control chromosomes, predominantly at a frequency of 0.0014 within the East Asian subpopulation in the gnomAD database including 3 hemizygotes. This variant was also reported at a frequency of 1.3% in about 812 control chromosomes in a Kinh Vietnamese cohort (Le_2019). Such evidence suggests that the variant is a benign polymorphism found primarily in populations of Asian origin. However, c.2659A>G has been reported in the literature in individuals affected with features of Androgen Resistance Syndrome, including four male individuals with early-onset hypospadias (Su_2016), 1 individual with unspecified Disorders of sex development (Eggers_2016), and 3 adult male individuals with Oligospermic infertility (Ghadessy_1999). At least two publications report experimental evidence evaluating an impact on protein function. The most pronounced variant effect results in >50%-90% of normal activity upon DHT treatment (Hay_2012). Ghadessy_1999 reported normal activity with androgen stimulus in fibroblasts from patients. However, in cultured cells or yeast two-hybrid system, impaired transactivation of other androgen-inducible reporters and interactions within the ligand-binding domains were observed. Postivie control(s) have not been used in the above-mentioned experiments in cultured cells or yeast. The following publications have been ascertained in the context of this evaluation (PMID: 27899157, 10359561, 22403669, 31180159, 28261839). Three submitters have cited clinical-significance assessments for this variant to ClinVar after 2014. One submitter classified the variant as pathogenic, one submitter classified the variant as benign, and a third submitter classified the variant as uncertain significance. Based on the evidence outlined above, the variant was classified as VUS-possibly benign.

Ambry Genetics
Classification: Uncertain significance for Inborn genetic diseases. Last evaluated: 2016-09-17. Review status: criteria provided, single submitter. Criteria: Ambry exome assertion method (8-5-2015). Collection method: clinical testing. Allele origin: germline. Affected: yes. Observed: 1 variant allele.

Literature cited by the submitters: PubMed 31180159 (cited by Women's Health and Genetics/Laboratory Corporation of America, LabCorp); PubMed 27899157 (cited by Women's Health and Genetics/Laboratory Corporation of America, LabCorp); PubMed 22403669 (cited by Women's Health and Genetics/Laboratory Corporation of America, LabCorp); PubMed 10359561 (cited by Women's Health and Genetics/Laboratory Corporation of America, LabCorp and Ambry Genetics); PubMed 28261839 (cited by Women's Health and Genetics/Laboratory Corporation of America, LabCorp and Ambry Genetics).

NM_000044.6(AR):c.2659A>G (p.Met887Val)

Gene: AR (androgen receptor; plus strand). Cytogenetic location: Xq12.
Variant type: single nucleotide variant.
Coding change: c.2659A>G on transcript NM_000044.6 (MANE Select); coding-DNA position 2659, A replaced by G.
Protein change: p.Met887Val; replaces methionine 887 with valine.
Molecular consequence: missense variant.
Genome position (GRCh38, 1-based): chrX:67,723,737, A>G. VCF-style: chrX-67723737-A-G. GRCh37 (hg19) VCF-style: chrX-66943579-A-G.
Other names: c.1063A>G, p.Met355Val (NM_001011645.3); short protein forms M887V, M355V.
Identifiers: ClinVar variation 279689 (VCV000279689.18), dbSNP rs755226547, ClinGen allele CA10436708.